The following is an entry in ClinVar:

ClinVar aggregate classification (germline): Uncertain significance (1 of 4 stars; one submission).

Allele frequency attached by ClinVar (database versions not stated): gnomAD exomes below 0.00001; gnomAD 0.00001; 1000 Genomes Project 30x 0.00016; 1000 Genomes Project 0.00020.
gnomAD v4.1: 2 of 1,610,824 alleles (0.00012%); highest among the groups gnomAD compares: Non-Finnish European, 0.00017%; no homozygotes.

Submission:

GeneDx
Classification: Uncertain significance. Last evaluated: 2020-03-20. Review status: criteria provided, single submitter. Criteria: GeneDx Variant Classification Process June 2021. Collection method: clinical testing. Allele origin: germline. Affected: yes.
Comment: In silico analysis supports that this missense variant has a deleterious effect on protein structure/function; Has not been previously published as pathogenic or benign to our knowledge

NM_133433.4(NIPBL):c.4493T>C (p.Ile1498Thr)

Gene: NIPBL (NIPBL cohesin loading factor; plus strand). Cytogenetic location: 5p13.2.
Variant type: single nucleotide variant.
Coding change: c.4493T>C on transcript NM_133433.4 (MANE Select); coding-DNA position 4493, T replaced by C.
Protein change: p.Ile1498Thr; replaces isoleucine 1498 with threonine.
Molecular consequence: missense variant.
Genome position (GRCh38, 1-based): chr5:37,010,158, T>C. VCF-style: chr5-37010158-T-C. GRCh37 (hg19) VCF-style: chr5-37010260-T-C.
Other names: c.4493T>C, p.Ile1498Thr (NM_015384.5); short protein forms I1498T.
Identifiers: ClinVar variation 452519 (VCV000452519.3), dbSNP rs199570957, ClinGen allele CA117062939.